The following is an entry in ClinVar:

NM_001130987.2(DYSF):c.5458G>A (p.Gly1820Arg)

Gene: DYSF (dysferlin; plus strand). Cytogenetic location: 2p13.2.
Variant type: single nucleotide variant.
Coding change: c.5458G>A on transcript NM_001130987.2 (MANE Select); coding-DNA position 5458, G replaced by A.
Protein change: p.Gly1820Arg; replaces glycine 1820 with arginine.
Molecular consequence: missense variant.
Genome position (GRCh38, 1-based): chr2:71,668,754, G>A. VCF-style: chr2-71668754-G-A. GRCh37 (hg19) VCF-style: chr2-71895884-G-A.
Other names: NM_003494.4:c.5341G>A; c.5434G>A, p.Gly1812Arg (NM_001130979.2); c.5392G>A, p.Gly1798Arg (NM_001130980.2); c.5407G>A, p.Gly1803Arg (NM_001130983.2); c.5365G>A, p.Gly1789Arg (NM_001130984.2); c.5455G>A, p.Gly1819Arg (NM_001130981.2); c.5437G>A, p.Gly1813Arg (NM_001130982.2); c.5395G>A, p.Gly1799Arg (NM_001130985.2); and 6 more; short protein forms G1767R, G1768R, G1781R, G1782R, G1788R, G1789R, G1798R, G1799R.
Identifiers: ClinVar variation 3776168 (VCV003776168.2).
Genomic context (GRCh38, chr2:71,668,754, plus strand): 5'-TGCTTGGTAACAGCTGGTTAAATGAGAAGGGTGGGGAGAGAACGGACCCTGTCTCCGCAG[G>A]GGAAGCTGCAGATGTGGGTCGACCTATTTCCGAAGGCCCTGGGGCGGCCTGGACCTCCCT-3'
Protein context (NP_001124459.1, residues 1810-1830): YSPLQPDIEQ[Gly1820Arg]KLQMWVDLFP

ClinVar aggregate classification (germline): Likely pathogenic. Review status: reviewed by expert panel (3 of 4 stars). 2 submissions from 2 submitters: Likely pathogenic (1). 1 of the submissions does not count toward it. Last evaluated 2025-06-24.

Conditions:
Miyoshi muscular dystrophy 1 (MMD1). Identifiers: Orphanet 45448, MedGen C4551973, MONDO:0024545, OMIM 254130.
Autosomal recessive limb-girdle muscular dystrophy. Identifiers: Orphanet 102015, MedGen C2931907, MONDO:0015152.

gnomAD v4.1: 1 of 1,613,610 alleles (0.000062%); highest among the groups gnomAD compares: Non-Finnish European, 0.000085%; no homozygotes.

Submissions (2):

ClinGen Limb Girdle Muscular Dystrophy Variant Curation Expert Panel, ClinGen
Classification: Likely pathogenic for Autosomal recessive limb-girdle muscular dystrophy. Last evaluated: 2025-06-24. Review status: reviewed by expert panel. Criteria: ClinGen LGMD VCEP ACMG Specifications DYSF V1.0.0. Collection method: curation. Allele origin: germline. Inheritance: Autosomal recessive inheritance.
Comment: The NM_003494.4: c.5341G>A variant in DYSF, which is also known as NM_001130987.2: c.5458G>A p.(Gly1820Arg), is a missense variant predicted to cause substitution of glycine by arginine at amino acid 1781, p.(Gly1781Arg). This variant affects the first nucleotide of exon 48, but SpliceAI gives a score of only 0.23 for acceptor loss and RNAseq analysis indicates the variant does not affect splicing (PMID: 36983702). This variant has been reported in unknown phase with a pathogenic variant in one individual with progressive proximal muscle weakness, dystrophic signs on muscle biopsy, and absent dysferlin protein expression by blood monocyte assay (NM_003494.4: c.3137G>A p.(Arg1064His), 0.5 pts, PMID: 36983702) (PM3_Supporting, PP4_Strong). The highest population allele frequency of this variant is 0.0000008 (1/1179880 alleles) in the European (non-Finnish) population of gnomAD v4.1.0, which is less than the LGMD VCEP threshold (PM2_Supporting). The computational predictor REVEL gives a score of 0.87, which is above the LGMD VCEP threshold of 0.70, evidence that correlates with impact to DYSF function (PP3). In summary, this variant meets the criteria to be classified as Likely Pathogenic for autosomal recessive limb girdle muscular dystrophy based on the ACMG/AMP criteria applied, as specified by the ClinGen LGMD VCEP (LGMD VCEP specifications version 1.0.0; 06/24/2025): PM3_Supporting, PP4_Strong, PM2_Supporting, PP3.

3billion
Classification: Uncertain significance for Miyoshi muscular dystrophy 1. Last evaluated: 2023-08-10. Review status: criteria provided, single submitter. Criteria: ACMG Guidelines, 2015. Collection method: clinical testing. Allele origin: germline. Affected: yes. Not counted in ClinVar's aggregate classification.
Comment: The variant is not observed in the gnomAD v2.1.1 dataset. Predicted Consequence/Location: Missense variant In silico tool predictions suggest damaging effect of the variant on gene or gene product [REVEL: 0.87 (>=0.6, sensitivity 0.68 and specificity 0.92); 3Cnet: 0.91 (>=0.6, sensitivity 0.72 and precision 0.9)]. Therefore, this variant is classified as VUS according to the recommendation of ACMG/AMP guideline.